The following is an entry in ClinVar:

NM_015662.3(IFT172):c.3767A>G (p.Gln1256Arg)

Genes: IFT172 (intraflagellar transport 172; minus strand), LOC126806173 (BRD4-independent group 4 enhancer GRCh37_chr2:27676057-27677256; plus strand). Cytogenetic location: 2p23.3.
Variant type: single nucleotide variant.
Coding change: c.3767A>G on transcript NM_015662.3 (MANE Select); coding-DNA position 3767, A replaced by G.
Protein change: p.Gln1256Arg; replaces glutamine 1256 with arginine.
Molecular consequence: missense variant.
Genome position (GRCh38, 1-based): chr2:27,453,684, T>C on the plus strand (A>G on the coding strand, the complement: IFT172 is on the minus strand). VCF-style: chr2-27453684-T-C. GRCh37 (hg19) VCF-style: chr2-27676551-T-C.
Other names: short protein forms Q1256R.
Identifiers: ClinVar variation 1443982 (VCV001443982.8), dbSNP rs765703265, ClinGen allele CA1579868.

ClinVar aggregate classification (germline): Uncertain significance. Review status: criteria provided, multiple submitters, no conflicts (2 of 4 stars). 3 submissions from 3 submitters: Uncertain significance (3). Last evaluated 2022-07-19.

Conditions:
Retinitis pigmentosa 71 (RP71). Identifiers: Orphanet 791, MedGen C4225342, MONDO:0014618, OMIM 616394.
Bardet-Biedl syndrome 20. Identifiers: MedGen C4310707, MONDO:0023670, OMIM 619471, MONDO:0014926.
Short-rib thoracic dysplasia 10 with or without polydactyly (SRTD10). Identifiers: Orphanet 474, MedGen C3810175, MONDO:0014284, OMIM 615630.

Allele frequency attached by ClinVar (database versions not stated): TOPMed below 0.00001; ExAC 0.00001; gnomAD 0.00001; gnomAD exomes 0.00001 and 0.00002.
gnomAD v4.1: 25 of 1,612,396 alleles (0.0016%); highest among the groups gnomAD compares: Middle Eastern, 0.016%; no homozygotes.

Submissions (3):

Labcorp Genetics (formerly Invitae), Labcorp
Classification: Uncertain significance for Retinitis pigmentosa 71; Short-rib thoracic dysplasia 10 with or without polydactyly. Last evaluated: 2022-07-19. Review status: criteria provided, single submitter. Criteria: Invitae Variant Classification Sherloc (09022015). Collection method: clinical testing. Allele origin: germline.
Comment: This sequence change replaces glutamine, which is neutral and polar, with arginine, which is basic and polar, at codon 1256 of the IFT172 protein (p.Gln1256Arg). In summary, the available evidence is currently insufficient to determine the role of this variant in disease. Therefore, it has been classified as a Variant of Uncertain Significance. Algorithms developed to predict the effect of missense changes on protein structure and function (SIFT, PolyPhen-2, Align-GVGD) all suggest that this variant is likely to be tolerated. ClinVar contains an entry for this variant (Variation ID: 1443982). This variant has not been reported in the literature in individuals affected with IFT172-related conditions. This variant is present in population databases (rs765703265, gnomAD 0.002%).

Blueprint Genetics
Classification: Uncertain significance. Last evaluated: 2022-06-20. Review status: criteria provided, single submitter. Criteria: ACMG Guidelines, 2015. Collection method: clinical testing. Allele origin: germline.

Fulgent Genetics
Classification: Uncertain significance for Short-rib thoracic dysplasia 10 with or without polydactyly; Retinitis pigmentosa 71; Bardet-Biedl syndrome 20. Last evaluated: 2022-03-29. Review status: criteria provided, single submitter. Criteria: ACMG Guidelines, 2015. Collection method: clinical testing. Allele origin: unknown.